The following is an entry in ClinVar:

NM_001353345.2(SETD1B):c.3367del (p.Asp1123fs)

Gene: SETD1B (SET domain containing 1B, histone lysine methyltransferase; plus strand). Cytogenetic location: 12q24.31.
Variant type: Deletion.
Coding change: c.3367del on transcript NM_001353345.2 (MANE Select); coding-DNA position 3367, one base deleted (G; older notation c.3367delG).
Protein change: p.Asp1123fs; shifts the reading frame from aspartic acid 1123.
Molecular consequence: frameshift variant.
Genome position (GRCh38, 1-based): chr12:121,817,853, G deleted; the last of 2 consecutive G bases (chr12:121,817,852-121,817,853); deleting either gives the same sequence. VCF-style (leftmost placement, unchanged base first): chr12-121817851-AG-A. GRCh37 (hg19) VCF-style: chr12-122255757-AG-A.
Other names: NM_015048.1:c.3238delG; short protein forms D1123fs.
Identifiers: ClinVar variation 2384616 (VCV002384616.2), dbSNP rs2500215214, ClinGen allele CA2580085911.

ClinVar aggregate classification (germline): Pathogenic (1 of 4 stars; one submission).

Conditions:
Inborn genetic diseases. Identifiers: MedGen C0950123, MeSH D030342.

Submission:

Ambry Genetics
Classification: Pathogenic for Inborn genetic diseases. Last evaluated: 2021-05-28. Review status: criteria provided, single submitter. Criteria: Ambry Variant Classification Scheme 2023. Collection method: clinical testing. Allele origin: germline.
Comment: The c.3238delG (p.D1080Tfs*21) alteration, located in coding exon 10 of the SETD1B gene, consists of a deletion of one nucleotide at position 3238, causing a translational frameshift with a predicted alternate stop codon after 21 amino acids. This alteration is expected to result in loss of function by premature protein truncation or nonsense-mediated mRNA decay. Based on data from the Genome Aggregation Database (gnomAD), the SETD1B c.3238delG alteration was not observed, with coverage at this position. Based on the available evidence, this alteration is classified as pathogenic.